The following is an entry in ClinVar:

ClinVar aggregate classification (germline): Pathogenic/Likely pathogenic. Review status: criteria provided, multiple submitters, no conflicts (2 of 4 stars). 2 submissions from 2 submitters: Pathogenic (1); Likely pathogenic (1). Last evaluated 2023-06-28.

Conditions:
Nemaline myopathy 2 (NEM2). Also called: Nemaline myopathy 2, autosomal recessive. Identifiers: MedGen C1850569, MONDO:0009725, OMIM 256030.
Arthrogryposis multiplex congenita 6. Identifiers: MedGen C5543431, MONDO:0030281, OMIM 619334.

Submissions (2):

Baylor Genetics
Classification: Likely pathogenic for Arthrogryposis multiplex congenita 6. Last evaluated: 2023-06-28. Review status: criteria provided, single submitter. Criteria: ACMG Guidelines, 2015. Collection method: clinical testing. Allele origin: unknown.

Labcorp Genetics (formerly Invitae), Labcorp
Classification: Pathogenic for Nemaline myopathy 2. Last evaluated: 2023-02-03. Review status: criteria provided, single submitter. Criteria: Invitae Variant Classification Sherloc (09022015). Collection method: clinical testing. Allele origin: germline.
Comment: For these reasons, this variant has been classified as Pathogenic. This variant has not been reported in the literature in individuals affected with NEB-related conditions. This variant is not present in population databases (gnomAD no frequency). This sequence change creates a premature translational stop signal (p.Gly2365*) in the NEB gene. It is expected to result in an absent or disrupted protein product. Loss-of-function variants in NEB are known to be pathogenic (PMID: 25205138).

Literature cited by the submitters: PubMed 25205138 (cited by Labcorp Genetics (formerly Invitae), Labcorp).

NM_001164508.2(NEB):c.7093G>T (p.Gly2365Ter)

Gene: NEB (nebulin; minus strand). Cytogenetic location: 2q23.3.
Variant type: single nucleotide variant.
Coding change: c.7093G>T on transcript NM_001164508.2 (MANE Select); coding-DNA position 7093, G replaced by T.
Protein change: p.Gly2365Ter; replaces glycine 2365 with a stop codon.
Molecular consequence: nonsense.
Genome position (GRCh38, 1-based): chr2:151,650,708, C>A on the plus strand (G>T on the coding strand, the complement: NEB is on the minus strand). VCF-style: chr2-151650708-C-A. GRCh37 (hg19) VCF-style: chr2-152507222-C-A.
Other names: c.7093G>T, p.Gly2365Ter (NM_001164507.2, NM_001271208.2, NM_004543.5); short protein forms G2365*.
Identifiers: ClinVar variation 2677083 (VCV002677083.4), dbSNP rs2552249907, ClinGen allele CA348789957.
Genomic context (GRCh38, chr2:151,650,708, plus strand): 5'-GGTAGTTCTTGTAGTCCACGTCACTAACCAACTCCTGACACTTCTTGGCCAGTACCACTC[C>A]CAACATGTCCACTGGGCTGGAGAACTTAGTTTTCCACTTCTCAAAGTCCTTCTTGTATTC-3'